The following is an entry in ClinVar:

ClinVar aggregate classification (germline): Uncertain significance (1 of 4 stars; one submission).

Allele frequency attached by ClinVar (database versions not stated): gnomAD exomes below 0.00001; TOPMed 0.00001.

Submission:

Labcorp Genetics (formerly Invitae), Labcorp
Classification: Uncertain significance. Last evaluated: 2022-02-05. Review status: criteria provided, single submitter. Criteria: Invitae Variant Classification Sherloc (09022015). Collection method: clinical testing. Allele origin: germline.
Comment: This sequence change replaces threonine, which is neutral and polar, with proline, which is neutral and non-polar, at codon 95 of the CNGB3 protein (p.Thr95Pro). This variant is not present in population databases (gnomAD no frequency). This variant has not been reported in the literature in individuals affected with CNGB3-related conditions. Advanced modeling of protein sequence and biophysical properties (such as structural, functional, and spatial information, amino acid conservation, physicochemical variation, residue mobility, and thermodynamic stability) performed at Invitae indicates that this missense variant is not expected to disrupt CNGB3 protein function. In summary, the available evidence is currently insufficient to determine the role of this variant in disease. Therefore, it has been classified as a Variant of Uncertain Significance.

NM_019098.5(CNGB3):c.283A>C (p.Thr95Pro)

Gene: CNGB3 (cyclic nucleotide gated channel subunit beta 3; minus strand). Cytogenetic location: 8q21.3.
Variant type: single nucleotide variant.
Coding change: c.283A>C on transcript NM_019098.5 (MANE Select); coding-DNA position 283, A replaced by C.
Protein change: p.Thr95Pro; replaces threonine 95 with proline.
Molecular consequence: missense variant.
Genome position (GRCh38, 1-based): chr8:86,726,586, T>G on the plus strand (A>C on the coding strand, the complement: CNGB3 is on the minus strand). VCF-style: chr8-86726586-T-G. GRCh37 (hg19) VCF-style: chr8-87738814-T-G.
Other names: short protein forms T95P.
Identifiers: ClinVar variation 1518528 (VCV001518528.5), dbSNP rs1825064510, ClinGen allele CA371455846.